The following is an entry in ClinVar:

ClinVar aggregate classification (germline): Uncertain significance (1 of 4 stars; one submission).

Submission:

GeneDx
Classification: Uncertain significance. Last evaluated: 2024-03-04. Review status: criteria provided, single submitter. Criteria: GeneDx Variant Classification Process June 2021. Collection method: clinical testing. Allele origin: germline. Affected: yes.
Comment: Not observed at significant frequency in large population cohorts (gnomAD); Has not been previously published as pathogenic or benign to our knowledge; In silico analysis is inconclusive as to whether the variant alters gene splicing. In the absence of RNA/functional studies, the actual effect of this sequence change is unknown.

NM_001393504.1(MAST3):c.71+6T>G

Gene: MAST3 (microtubule associated serine/threonine kinase 3; plus strand). Cytogenetic location: 19p13.11.
Variant type: single nucleotide variant.
Coding change: c.71+6T>G on transcript NM_001393504.1 (MANE Select); 6 bases into the intron after coding-DNA position 71, T replaced by G.
Molecular consequence: intron variant.
Genome position (GRCh38, 1-based): chr19:18,107,624, T>G. VCF-style: chr19-18107624-T-G. GRCh37 (hg19) VCF-style: chr19-18218434-T-G.
Other names: c.71+6T>G (NM_001393501.1, NM_001393502.1, NM_001393508.1 and 8 more transcripts).
Identifiers: ClinVar variation 3373702 (VCV003373702.1).
Genomic context (GRCh38, chr19:18,107,624, plus strand): 5'-TCCCCATTTCTGTCTCATTGCAGAAGGAGCTGAGCCTGCCACGCCGAGGACGTGGGTGAG[T>G]TCACCTGGGACTGGCGGGCTGGGTGGGCCCCAGTGGTCTTGGAAGTGGATATTTCAGCAA-3'